The following is an entry in ClinVar:

NC_012920.1(MT-ATP6):m.8962A>G

Gene: MT-ATP6 (mitochondrially encoded ATP synthase 6; plus strand).
Variant type: single nucleotide variant.
Genome position: chrM-8962-A-G.
Identifiers: ClinVar variation 693037 (VCV000693037.1), dbSNP rs1603221945, ClinGen allele CA414801667.

ClinVar aggregate classification (germline): Benign (1 of 4 stars; one submission).

Conditions:
Leigh syndrome (NULS). Also called: Leigh's necrotizing encephalopathy; Leigh's disease; Leigh Syndrome (mtDNA deletion); Leigh Disease; Subacute necrotizing encephalopathy; Necrotizing encephalopathy infantile subacute of Leigh. Identifiers: Orphanet 506, MedGen C2931891, MONDO:0009723, OMIM 256000.

Submission:

Wong Mito Lab, Molecular and Human Genetics, Baylor College of Medicine
Classification: Benign for Leigh syndrome. Last evaluated: 2019-10-17. Review status: criteria provided, single submitter. Criteria: Modified ACMG Guidelines (Unpublished). Collection method: clinical testing. Allele origin: germline.
Comment: The NC_012920.1:m.8962A>G (YP_003024031.1:p.Thr146Ala) variant in MTATP6 gene is interpretated to be a Benign variant based on the modified ACMG guidelines (unpublished). This variant meets the following evidence codes: BS1, BP6